The following is an entry in ClinVar:

NM_017849.4(TMEM127):c.23G>A (p.Gly8Glu)

Genes: TMEM127 (transmembrane protein 127; minus strand), LOC129934333 (ATAC-STARR-seq lymphoblastoid silent region 11759; plus strand). Cytogenetic location: 2q11.2.
Variant type: single nucleotide variant.
Coding change: c.23G>A on transcript NM_017849.4 (MANE Select); coding-DNA position 23, G replaced by A.
Protein change: p.Gly8Glu; replaces glycine 8 with glutamic acid.
Molecular consequence: missense variant. On other transcripts: intron variant (1).
Genome position (GRCh38, 1-based): chr2:96,265,359, C>T on the plus strand (G>A on the coding strand, the complement: TMEM127 is on the minus strand). VCF-style: chr2-96265359-C-T. GRCh37 (hg19) VCF-style: chr2-96931097-C-T.
Other names: c.23G>A, p.Gly8Glu (NM_001193304.3); c.-9+510G>A (NM_001407283.1); short protein forms G8E.
Identifiers: ClinVar variation 3457599 (VCV003457599.1).

ClinVar aggregate classification (germline): Uncertain significance (1 of 4 stars; one submission).

Conditions:
Hereditary cancer-predisposing syndrome. Also called: Tumor predisposition; Neoplastic Syndromes, Hereditary; Hereditary neoplastic syndrome; Hereditary Cancer Syndrome. Identifiers: Orphanet 140162, MedGen C0027672, MeSH D009386, MONDO:0015356.

Submission:

Ambry Genetics
Classification: Uncertain significance for Hereditary cancer-predisposing syndrome. Last evaluated: 2024-07-30. Review status: criteria provided, single submitter. Criteria: Ambry Variant Classification Scheme 2023. Collection method: clinical testing. Allele origin: germline.
Comment: The p.G8E variant (also known as c.23G>A), located in coding exon 1 of the TMEM127 gene, results from a G to A substitution at nucleotide position 23. The glycine at codon 8 is replaced by glutamic acid, an amino acid with similar properties. This amino acid position is conserved. In addition, the in silico prediction for this alteration is inconclusive. Based on the available evidence, the clinical significance of this variant remains unclear.